The following is an entry in ClinVar:

NM_020738.4(KIDINS220):c.2737A>G (p.Ile913Val)

Gene: KIDINS220 (kinase D interacting substrate 220; minus strand). Cytogenetic location: 2p25.1.
Variant type: single nucleotide variant.
Coding change: c.2737A>G on transcript NM_020738.4 (MANE Select); coding-DNA position 2737, A replaced by G.
Protein change: p.Ile913Val; replaces isoleucine 913 with valine.
Molecular consequence: missense variant. On other transcripts: non-coding transcript variant (2).
Genome position (GRCh38, 1-based): chr2:8,776,859, T>C on the plus strand (A>G on the coding strand, the complement: KIDINS220 is on the minus strand). VCF-style: chr2-8776859-T-C. GRCh37 (hg19) VCF-style: chr2-8916989-T-C.
Other names: c.2740A>G, p.Ile914Val (NM_001348729.2, NM_001348731.2, NM_001348734.2 and 3 more transcripts); c.2737A>G, p.Ile913Val (NM_001348732.2, NM_001348735.2, NM_001348738.2 and 3 more transcripts); c.2611A>G, p.Ile871Val (NM_001348736.2); c.2737A>G (NM_020738.2); short protein forms I871V, I913V, I914V.
Identifiers: ClinVar variation 1918847 (VCV001918847.7), dbSNP rs868178335, ClinGen allele CA42329384.

ClinVar aggregate classification (germline): Uncertain significance. Review status: criteria provided, multiple submitters, no conflicts (2 of 4 stars). 3 submissions from 3 submitters: Uncertain significance (3). Last evaluated 2025-11-06.

Conditions:
Inborn genetic diseases. Identifiers: MedGen C0950123, MeSH D030342.
KIDINS220-related disorder. Also called: KIDINS220-related condition.

Allele frequency attached by ClinVar (database versions not stated): TOPMed 0.00001.
gnomAD v4.1: 11 of 1,614,072 alleles (0.00068%); highest among the groups gnomAD compares: Admixed American, 0.005%; no homozygotes.

Submissions (3):

Ambry Genetics
Classification: Uncertain significance for Inborn genetic diseases. Last evaluated: 2025-11-06. Review status: criteria provided, single submitter. Criteria: Ambry Variant Classification Scheme 2023. Collection method: clinical testing. Allele origin: germline.

PreventionGenetics, part of Exact Sciences
Classification: Uncertain significance for KIDINS220-related condition. Last evaluated: 2025-03-19. Review status: criteria provided, single submitter. Criteria: ACMG Guidelines, 2015. Collection method: clinical testing. Allele origin: germline.
Comment: The KIDINS220 c.2737A>G variant is predicted to result in the amino acid substitution p.Ile913Val. To our knowledge, this variant has not been reported in the literature or in a large population database (gnomAD), indicating this variant is rare. At this time, the clinical significance of this variant is uncertain due to the absence of conclusive functional and genetic evidence.

Labcorp Genetics (formerly Invitae), Labcorp
Classification: Uncertain significance. Last evaluated: 2024-05-28. Review status: criteria provided, single submitter. Criteria: Invitae Variant Classification Sherloc (09022015). Collection method: clinical testing. Allele origin: germline.
Comment: This sequence change replaces isoleucine, which is neutral and non-polar, with valine, which is neutral and non-polar, at codon 913 of the KIDINS220 protein (p.Ile913Val). This variant is not present in population databases (gnomAD no frequency). This variant has not been reported in the literature in individuals affected with KIDINS220-related conditions. ClinVar contains an entry for this variant (Variation ID: 1918847). Algorithms developed to predict the effect of missense changes on protein structure and function output the following: SIFT: "Not Available"; PolyPhen-2: "Benign"; Align-GVGD: "Not Available". The valine amino acid residue is found in multiple mammalian species, which suggests that this missense change does not adversely affect protein function. In summary, the available evidence is currently insufficient to determine the role of this variant in disease. Therefore, it has been classified as a Variant of Uncertain Significance.